The following is an entry in ClinVar:

ClinVar aggregate classification (germline): Uncertain significance. Review status: criteria provided, multiple submitters, no conflicts (2 of 4 stars). 2 submissions from 2 submitters: Uncertain significance (2). Last evaluated 2026-03-21.

Conditions:
Dyskeratosis congenita. Identifiers: Orphanet 1775, MedGen C0265965, MONDO:0015780.

Submissions (2):

GeneDx
Classification: Uncertain significance. Last evaluated: 2026-03-21. Review status: criteria provided, single submitter. Criteria: GeneDx Variant Classification Process June 2021. Collection method: clinical testing. Allele origin: germline.
Comment: Not observed at significant frequency in large population cohorts (gnomAD); In silico analysis suggests that this missense variant does not alter protein structure/function; Has not been previously published as pathogenic or benign to our knowledge

Labcorp Genetics (formerly Invitae), Labcorp
Classification: Uncertain significance for Dyskeratosis congenita. Last evaluated: 2022-05-17. Review status: criteria provided, single submitter. Criteria: Invitae Variant Classification Sherloc (09022015). Collection method: clinical testing. Allele origin: germline.
Comment: In summary, the available evidence is currently insufficient to determine the role of this variant in disease. Therefore, it has been classified as a Variant of Uncertain Significance. Algorithms developed to predict the effect of missense changes on protein structure and function output the following: SIFT: "Tolerated"; PolyPhen-2: "Benign"; Align-GVGD: "Class C0". The threonine amino acid residue is found in multiple mammalian species, which suggests that this missense change does not adversely affect protein function. This variant has not been reported in the literature in individuals affected with CTC1-related conditions. This variant is not present in population databases (gnomAD no frequency). This sequence change replaces alanine, which is neutral and non-polar, with threonine, which is neutral and polar, at codon 654 of the CTC1 protein (p.Ala654Thr).

NM_025099.6(CTC1):c.1960G>A (p.Ala654Thr)

Gene: CTC1 (CST telomere replication complex component 1; minus strand). Cytogenetic location: 17p13.1.
Variant type: single nucleotide variant.
Coding change: c.1960G>A on transcript NM_025099.6 (MANE Select); coding-DNA position 1960, G replaced by A.
Protein change: p.Ala654Thr; replaces alanine 654 with threonine.
Molecular consequence: missense variant. On other transcripts: non-coding transcript variant (1).
Genome position (GRCh38, 1-based): chr17:8,232,461, C>T on the plus strand (G>A on the coding strand, the complement: CTC1 is on the minus strand). VCF-style: chr17-8232461-C-T. GRCh37 (hg19) VCF-style: chr17-8135779-C-T.
Other names: c.1960G>A, p.Ala654Thr (NM_001411067.1); c.1960G>A (NM_025099.5); short protein forms A654T.
Identifiers: ClinVar variation 2199752 (VCV002199752.5), dbSNP rs2507903193, ClinGen allele CA397980051.